The following is an entry in ClinVar:

NM_000136.3(FANCC):c.896+6C>T

Genes: AOPEP (aminopeptidase O (putative); plus strand), FANCC (FA complementation group C; minus strand). Cytogenetic location: 9q22.32.
Variant type: single nucleotide variant.
Coding change: c.896+6C>T on transcript NM_000136.3 (MANE Select); 6 bases into the intron after coding-DNA position 896, C replaced by T.
Molecular consequence: intron variant.
Genome position (GRCh38, 1-based): chr9:95,126,523, G>A on the plus strand (C>T on the coding strand, the complement: FANCC is on the minus strand). VCF-style: chr9-95126523-G-A. GRCh37 (hg19) VCF-style: chr9-97888805-G-A.
Other names: c.896+6C>T (NM_001243743.2, NM_001243744.2).
Identifiers: ClinVar variation 377846 (VCV000377846.8), dbSNP rs199525333, ClinGen allele CA5137605.

ClinVar aggregate classification (germline): Conflicting classifications of pathogenicity. Review status: criteria provided, conflicting classifications (1 of 4 stars). 3 submissions from 3 submitters: Uncertain significance (2); Likely benign (1). Last evaluated 2025-07-31.

Conditions:
Fanconi anemia (FA). Also called: Fanconi's anemia. Identifiers: Orphanet 84, MedGen C0015625, MeSH D005199, MONDO:0019391.

Allele frequency attached by ClinVar (database versions not stated): gnomAD exomes 0.00004; TOPMed 0.00006; ExAC 0.00007; gnomAD 0.00010; 1000 Genomes Project 30x 0.00016; 1000 Genomes Project 0.00020.
gnomAD v4.1: 76 of 1,613,536 alleles (0.0047%); highest among the groups gnomAD compares: African/African-American, 0.027%; no homozygotes.

Submissions (3):

Quest Diagnostics Nichols Institute San Juan Capistrano
Classification: Uncertain significance. Last evaluated: 2025-07-31. Review status: criteria provided, single submitter. Criteria: Quest Diagnostics criteria. Collection method: clinical testing. Allele origin: unknown.
Comment: The FANCC c.896+6C>T variant has not been reported in individuals with FANCC-related conditions in the published literature. The frequency of this variant in the general population (Genome Aggregation Database) is uninformative in the assessment of its pathogenicity. Analysis of this variant using software algorithms for the prediction of the effect of nucleotide changes on splicing yielded predictions that this variant does not affect FANCC mRNA splicing. Based on the available information, we are unable to determine the clinical significance of this variant.

Labcorp Genetics (formerly Invitae), Labcorp
Classification: Uncertain significance for Fanconi anemia. Last evaluated: 2024-05-13. Review status: criteria provided, single submitter. Criteria: Invitae Variant Classification Sherloc (09022015). Collection method: clinical testing. Allele origin: germline.
Comment: This sequence change falls in intron 9 of the FANCC gene. It does not directly change the encoded amino acid sequence of the FANCC protein. It affects a nucleotide within the consensus splice site. This variant is present in population databases (rs199525333, gnomAD 0.02%). This variant has not been reported in the literature in individuals affected with FANCC-related conditions. ClinVar contains an entry for this variant (Variation ID: 377846). Variants that disrupt the consensus splice site are a relatively common cause of aberrant splicing (PMID: 17576681, 9536098). Algorithms developed to predict the effect of sequence changes on RNA splicing suggest that this variant is not likely to affect RNA splicing. In summary, the available evidence is currently insufficient to determine the role of this variant in disease. Therefore, it has been classified as a Variant of Uncertain Significance.

GeneDx
Classification: Likely benign. Last evaluated: 2018-02-07. Review status: criteria provided, single submitter. Criteria: GeneDx Variant Classification (06012015). Collection method: clinical testing. Allele origin: germline. Affected: yes.
Comment: This variant is considered likely benign or benign based on one or more of the following criteria: it is a conservative change, it occurs at a poorly conserved position in the protein, it is predicted to be benign by multiple in silico algorithms, and/or has population frequency not consistent with disease.

Literature cited by the submitters: PubMed 17576681 (cited by Labcorp Genetics (formerly Invitae), Labcorp); PubMed 9536098 (cited by Labcorp Genetics (formerly Invitae), Labcorp).